The following is an entry in ClinVar:

ClinVar aggregate classification (germline): Likely benign (1 of 4 stars; one submission).

Conditions:
Hereditary breast ovarian cancer syndrome. Also called: BRCA1- and BRCA2-Associated Hereditary Breast and Ovarian Cancer; Hereditary breast and ovarian cancer syndrome (HBOC); Hereditary breast and ovarian cancer syndrome; Breast and ovarian cancer; Hereditary breast and ovarian cancer; Hereditary breast and/or ovarian cancer syndrome. Identifiers: Orphanet 145, MedGen C0677776, MeSH D061325, MONDO:0003582. Disease mechanism: loss of function.

Allele frequency attached by ClinVar (database versions not stated): gnomAD exomes below 0.00001; TOPMed 0.00001.
gnomAD v4.1: 1 of 1,612,882 alleles (0.000062%); highest among the groups gnomAD compares: Non-Finnish European, 0.000085%; no homozygotes.

Submissions (2):

Labcorp Genetics (formerly Invitae), Labcorp
Classification: Likely benign for Hereditary breast ovarian cancer syndrome. Last evaluated: 2018-11-21. Review status: criteria provided, single submitter. Criteria: Invitae Variant Classification Sherloc (09022015). Collection method: clinical testing. Allele origin: germline.

Brotman Baty Institute, University of Washington
No classification provided (evidence only). Condition: Breast-ovarian cancer, familial 1. Review status: no classification provided. Collection method: in vitro. Allele origin: not applicable. Functional consequence: functionally_normal. Not counted in ClinVar's aggregate classification.
ClinVar note: "not provided" was previously submitted as the classification for the variant. However, the classification appeared to be based only on an observation of functional data so it was converted to no classification on 2025-07-30.

NM_007294.4(BRCA1):c.81-4C>T

Gene: BRCA1 (BRCA1 DNA repair associated; minus strand). Cytogenetic location: 17q21.31.
Variant type: single nucleotide variant.
Coding change: c.81-4C>T on transcript NM_007294.4 (MANE Select); 4 bases into the intron before coding-DNA position 81, C replaced by T.
Molecular consequence: intron variant.
Genome position (GRCh38, 1-based): chr17:43,115,783, G>A on the plus strand (C>T on the coding strand, the complement: BRCA1 is on the minus strand). VCF-style: chr17-43115783-G-A. GRCh37 (hg19) VCF-style: chr17-41267800-G-A.
Other names: c.-61-4C>T (NM_001408458.1, NM_001408470.1, NM_001407848.1 and 47 more transcripts); c.-219+9494C>T (NM_001407967.1); c.-170+9494C>T (NM_001407959.1); c.-7-9250C>T (NM_001407931.1, NM_001407747.1, NM_001408511.1 and 2 more transcripts); c.-223-4C>T (NM_001407962.1, NM_001408512.1, NM_001408510.1 and 1 more transcripts); c.-108-4C>T (NM_001407885.1, NM_001407886.1, NM_001408509.1 and 52 more transcripts); c.-177-4C>T (NM_001407746.1, NM_001408468.1, NM_001407842.1 and 13 more transcripts); c.-8+8234C>T (NM_001408461.1, NM_001407738.1, NM_001407932.1 and 23 more transcripts); and 10 more.
Identifiers: ClinVar variation 795825 (VCV000795825.12), dbSNP rs1000484532, ClinGen allele CA772162673.